The following continues an entry in ClinVar:

NM_000277.3(PAH):c.1241A>G (p.Tyr414Cys)

Gene: PAH. ClinVar aggregate classification (germline): Pathogenic. Pathogenic (1).

Submissions 27 to 33 of 33:

Center for Genomics, Ann and Robert H. Lurie Children's Hospital of Chicago
Classification: Pathogenic for Phenylketonuria. Review status: criteria provided, single submitter. Criteria: ACMG Guidelines, 2015. Collection method: clinical testing. Allele origin: germline. Not counted in ClinVar's aggregate classification.
Comment: PAH:NM_000277.1:exon12:c.1241A>G:p.Tyr414Cys Sequence analysis reveals a heterozygous c.1241A>G (p.Tyr414Cys) variant in the PAH gene. This variant is observed in 99/277184 allelles in the gnomAD database. In silico predictions by multiple algorithms indicate that this variant is deleterious on the function of the protein. Multiple entries in the Clinvar database classified this variant as pathogenic. Therefore this variant is classified as pathogenic.

Clinical Genetics Service, Universitary Hospital 12 de Octubre
Classification: Pathogenic for Phenylketonuria. Review status: criteria provided, single submitter. Criteria: ACMG Guidelines, 2015. Collection method: clinical testing. Allele origin: maternal. Affected: yes. Not counted in ClinVar's aggregate classification.

OMIM
Classification: Pathogenic for HYPERPHENYLALANINEMIA, NON-PKU. Last evaluated: 2008-07-01. Review status: no assertion criteria provided. Collection method: literature only. Allele origin: germline. Not counted in ClinVar's aggregate classification.

Clinical Genetics DNA and cytogenetics Diagnostics Lab, Erasmus MC, Erasmus Medical Center
Classification: Pathogenic. Review status: no assertion criteria provided. Collection method: clinical testing. Allele origin: germline. Affected: yes. Study: VKGL Data-share Consensus. Not counted in ClinVar's aggregate classification.

DeBelle Laboratory for Biochemical Genetics, MUHC/MCH RESEARCH INSTITUTE
No classification provided. Review status: no classification provided. Collection method: not provided. Allele origin: not provided. Not counted in ClinVar's aggregate classification.

Diagnostic Laboratory, Department of Genetics, University Medical Center Groningen
Classification: Pathogenic for Phenylketonuria. Review status: no assertion criteria provided. Collection method: clinical testing. Allele origin: germline. Affected: yes. Study: VKGL Data-share Consensus. Not counted in ClinVar's aggregate classification.

Joint Genome Diagnostic Labs from Nijmegen and Maastricht, Radboudumc and MUMC+
Classification: Pathogenic. Review status: no assertion criteria provided. Collection method: clinical testing. Allele origin: germline. Affected: yes. Study: VKGL Data-share Consensus. Not counted in ClinVar's aggregate classification.

Literature cited by the submitters: PubMed 26542770 (cited by 4 submitters); PubMed 2044609 (cited by 6 submitters); PubMed 21871829 (cited by 3 submitters); PubMed 17935162 (cited by 7 submitters); PubMed 22526846 (cited by 4 submitters); PubMed 9399896 (cited by 5 submitters); PubMed 8556304 (cited by Labcorp Genetics (formerly Invitae), Labcorp); PubMed 12655544 (cited by Labcorp Genetics (formerly Invitae), Labcorp); PubMed 20063067 (cited by 5 submitters); PubMed 23764561 (cited by Labcorp Genetics (formerly Invitae), Labcorp); PubMed 10479481 (cited by 5 submitters); PubMed 18538294 (cited by 4 submitters); PubMed 19036622 (cited by Labcorp Genetics (formerly Invitae), Labcorp and Variantyx, Inc.); PubMed 30037505 (cited by Victorian Clinical Genetics Services, Murdoch Childrens Research Institute); PubMed 30668579 (cited by Victorian Clinical Genetics Services, Murdoch Childrens Research Institute); PubMed 2014036 (cited by 5 submitters); PubMed 12655546 (cited by Variantyx, Inc. and Quest Diagnostics Nichols Institute San Juan Capistrano); PubMed 14741196 (cited by Variantyx, Inc. and Quest Diagnostics Nichols Institute San Juan Capistrano); PubMed 21953985 (cited by Variantyx, Inc. and Myriad Genetics, Inc.); PubMed 24296287 (cited by Variantyx, Inc.); PubMed 25596310 (cited by Natera, Inc. and Quest Diagnostics Nichols Institute San Juan Capistrano); PubMed 32668217 (cited by 3billion); PubMed 26666653 (cited by Quest Diagnostics Nichols Institute San Juan Capistrano and Women's Health and Genetics/Laboratory Corporation of America, LabCorp); PubMed 30747360 (cited by Quest Diagnostics Nichols Institute San Juan Capistrano); PubMed 30648773 (cited by Quest Diagnostics Nichols Institute San Juan Capistrano); PubMed 12655553 (cited by Myriad Genetics, Inc.); PubMed 22112818 (cited by Myriad Genetics, Inc.); PubMed 11385716 (cited by Myriad Genetics, Inc.); PubMed 23500595 (cited by Myriad Genetics, Inc. and Laboratory for Molecular Medicine, Mass General Brigham Personalized Medicine); PubMed 8889590 (cited by Myriad Genetics, Inc.); PubMed 12501224 (cited by Myriad Genetics, Inc.); PubMed 15557004 (cited by Myriad Genetics, Inc. and Eurofins Ntd Llc (ga)); PubMed 9450897 (cited by Women's Health and Genetics/Laboratory Corporation of America, LabCorp).